The following is an entry in ClinVar:

ClinVar aggregate classification (germline): Likely benign (1 of 4 stars; one submission).

Allele frequency attached by ClinVar (database versions not stated): ExAC 0.00004; gnomAD 0.00005; TOPMed 0.00006; 1000 Genomes Project 0.00020; 1000 Genomes Project 30x 0.00047.
gnomAD v4.1: 75 of 1,610,940 alleles (0.0047%); highest among the groups gnomAD compares: Admixed American, 0.01%; no homozygotes.

Submission:

CeGaT Center for Human Genetics Tuebingen
Classification: Likely benign. Last evaluated: 2023-02-01. Review status: criteria provided, single submitter. Criteria: CeGaT Center For Human Genetics Tuebingen Variant Classification Criteria Version 2. Collection method: clinical testing. Allele origin: germline. Affected: yes. Observed: 1 variant allele.
Comment: ADAMTS7: BP4, BP7

NM_014272.5(ADAMTS7):c.3219C>T (p.His1073=)

Gene: ADAMTS7 (ADAM metallopeptidase with thrombospondin type 1 motif 7; minus strand). Cytogenetic location: 15q25.1.
Variant type: single nucleotide variant.
Coding change: c.3219C>T on transcript NM_014272.5 (MANE Select); coding-DNA position 3219, C replaced by T.
Protein change: p.His1073=; no amino-acid change (histidine 1073 retained).
Molecular consequence: synonymous variant.
Genome position (GRCh38, 1-based): chr15:78,766,692, G>A on the plus strand (C>T on the coding strand, the complement: ADAMTS7 is on the minus strand). VCF-style: chr15-78766692-G-A. GRCh37 (hg19) VCF-style: chr15-79059034-G-A.
Identifiers: ClinVar variation 2645619 (VCV002645619.24), dbSNP rs202058579, ClinGen allele CA7685849.